The following is an entry in ClinVar:

NM_004168.4(SDHA):c.14G>C (p.Arg5Pro)

Gene: SDHA (succinate dehydrogenase complex flavoprotein subunit A; plus strand). Cytogenetic location: 5p15.33.
Variant type: single nucleotide variant.
Coding change: c.14G>C on transcript NM_004168.4 (MANE Select); coding-DNA position 14, G replaced by C.
Protein change: p.Arg5Pro; replaces arginine 5 with proline.
Molecular consequence: missense variant.
Genome position (GRCh38, 1-based): chr5:218,369, G>C. VCF-style: chr5-218369-G-C. GRCh37 (hg19) VCF-style: chr5-218484-G-C.
Other names: c.14G>C, p.Arg5Pro (NM_001294332.2, NM_001330758.2); short protein forms R5P.
Identifiers: ClinVar variation 5029177 (VCV005029177.1).

ClinVar aggregate classification (germline): Uncertain significance (1 of 4 stars; one submission).

Conditions:
Hereditary cancer-predisposing syndrome. Also called: Neoplastic Syndromes, Hereditary; Tumor predisposition; Hereditary neoplastic syndrome; Hereditary Cancer Syndrome. Identifiers: Orphanet 140162, MedGen C0027672, MeSH D009386, MONDO:0015356.

gnomAD v4.1: 4 of 1,456,258 alleles (0.00027%); highest among the groups gnomAD compares: Admixed American, 0.0025%; no homozygotes.

Submission:

Ambry Genetics
Classification: Uncertain significance for Hereditary cancer-predisposing syndrome. Last evaluated: 2026-09-14. Review status: criteria provided, single submitter. Criteria: Ambry Variant Classification Scheme 2023. Collection method: clinical testing. Allele origin: germline.
Comment: The p.R5P variant (also known as c.14G>C), located in coding exon 1 of the SDHA gene, results from a G to C substitution at nucleotide position 14. The arginine at codon 5 is replaced by proline, an amino acid with dissimilar properties. This amino acid position is not well conserved in available vertebrate species. In addition, this alteration is predicted to be tolerated by in silico analysis. Based on the available evidence, the clinical significance of this variant remains unclear.